The following is an entry in ClinVar:

NM_003325.4(HIRA):c.1386G>A (p.Thr462=)

Gene: HIRA (histone cell cycle regulator; minus strand). Cytogenetic location: 22q11.21.
Variant type: single nucleotide variant.
Coding change: c.1386G>A on transcript NM_003325.4 (MANE Select); coding-DNA position 1386, G replaced by A.
Protein change: p.Thr462=; no amino-acid change (threonine 462 retained).
Molecular consequence: synonymous variant.
Genome position (GRCh38, 1-based): chr22:19,383,649, C>T on the plus strand (G>A on the coding strand, the complement: HIRA is on the minus strand). VCF-style: chr22-19383649-C-T. GRCh37 (hg19) VCF-style: chr22-19371172-C-T.
Identifiers: ClinVar variation 3040266 (VCV003040266.4), dbSNP rs542483820, ClinGen allele CA10099711.

ClinVar aggregate classification (germline): Likely benign. Review status: criteria provided, single submitter (1 of 4 stars). 2 submissions from 2 submitters: Likely benign (1). 1 of the submissions does not count toward it. Last evaluated 2026-06-01.

Conditions:
HIRA-related disorder.

Allele frequency attached by ClinVar (database versions not stated): TOPMed 0.00003; gnomAD 0.00013; ExAC 0.00045; 1000 Genomes Project 30x 0.00094; 1000 Genomes Project 0.00120.
gnomAD v4.1: 310 of 1,614,074 alleles (0.019%); highest among the groups gnomAD compares: South Asian, 0.28%; 3 homozygotes.

Submissions (2):

CeGaT Center for Human Genetics Tuebingen
Classification: Likely benign. Last evaluated: 2026-06-01. Review status: criteria provided, single submitter. Criteria: CeGaT Center For Human Genetics Tuebingen Variant Classification Criteria Version 2. Collection method: clinical testing. Allele origin: germline. Affected: yes. Observed: 1 variant allele.
Comment: HIRA: BP4, BP7

PreventionGenetics, part of Exact Sciences
Classification: Likely benign for HIRA-related condition. Last evaluated: 2019-12-23. Review status: no assertion criteria provided. Collection method: clinical testing. Allele origin: germline. Not counted in ClinVar's aggregate classification.
Comment: This variant is classified as likely benign based on ACMG/AMP sequence variant interpretation guidelines (Richards et al. 2015 PMID: 25741868, with internal and published modifications).